The following is an entry in ClinVar:

ClinVar aggregate classification (germline): Uncertain significance (1 of 4 stars; one submission).

Conditions:
Cardiomyopathy (CMYO). Also called: Cardiomyopathies. Identifiers: Orphanet 167848, MedGen C0878544, MONDO:0004994, HP:0001638. Inheritance: Various modes of inheritance.

Submission:

All of Us Research Program, National Institutes of Health
Classification: Uncertain significance for Cardiomyopathy. Last evaluated: 2024-06-09. Review status: criteria provided, single submitter. Criteria: ACMG Guidelines, 2015. Collection method: clinical testing. Allele origin: germline. Inheritance: Autosomal dominant inheritance. Observed: 1 variant allele, 1 heterozygote.
Comment: This missense variant replaces threonine with isoleucine at codon 1497 of the MYH7 protein. Computational prediction suggests that this variant may not impact protein structure and function (internally defined REVEL score threshold <= 0.5, PMID: 27666373). To our knowledge, functional studies have not been reported for this variant. This variant has not been reported in individuals affected with MYH7-related disorders in the literature. This variant has not been identified in the general population by the Genome Aggregation Database (gnomAD). The available evidence is insufficient to determine the role of this variant in disease conclusively. Therefore, this variant is classified as a Variant of Uncertain Significance.

This study involves interpretation of variants in research participants for the purpose of population health screening. Participant phenotype was not available at the time of variant classification. Additional details can be found in publication PMID: 35346344, PMCID: PMC8962531

NM_000257.4(MYH7):c.4490C>T (p.Thr1497Ile)

Genes: MHRT (myosin heavy chain associated RNA transcript; plus strand), MYH7 (myosin heavy chain 7; minus strand). Cytogenetic location: 14q11.2.
Variant type: single nucleotide variant.
Coding change: c.4490C>T on transcript NM_000257.4 (MANE Select); coding-DNA position 4490, C replaced by T.
Protein change: p.Thr1497Ile; replaces threonine 1497 with isoleucine.
Molecular consequence: missense variant.
Genome position (GRCh38, 1-based): chr14:23,417,182, G>A on the plus strand (C>T on the coding strand, the complement: MYH7 is on the minus strand). VCF-style: chr14-23417182-G-A. GRCh37 (hg19) VCF-style: chr14-23886391-G-A.
Other names: c.4490C>T, p.Thr1497Ile (NM_001407004.1); short protein forms T1497I.
Identifiers: ClinVar variation 3387300 (VCV003387300.1).